The following is an entry in ClinVar:

ClinVar aggregate classification (germline): Uncertain significance. Review status: criteria provided, multiple submitters, no conflicts (2 of 4 stars). 2 submissions from 2 submitters: Uncertain significance (2). Last evaluated 2024-02-06.

Conditions:
SIX5-related disorder. Also called: SIX5-related condition.

Allele frequency attached by ClinVar (database versions not stated): gnomAD exomes below 0.00001.
gnomAD v4.1: 1 of 1,497,308 alleles (0.000067%); highest among the groups gnomAD compares: Admixed American, 0.0022%; no homozygotes.

Submissions (2):

Labcorp Genetics (formerly Invitae), Labcorp
Classification: Uncertain significance. Last evaluated: 2024-02-06. Review status: criteria provided, single submitter. Criteria: Invitae Variant Classification Sherloc (09022015). Collection method: clinical testing. Allele origin: germline.
Comment: This sequence change replaces glutamine, which is neutral and polar, with histidine, which is basic and polar, at codon 477 of the SIX5 protein (p.Gln477His). This variant is present in population databases (no rsID available, gnomAD 0.005%). This variant has not been reported in the literature in individuals affected with SIX5-related conditions. ClinVar contains an entry for this variant (Variation ID: 2632316). Advanced modeling of protein sequence and biophysical properties (such as structural, functional, and spatial information, amino acid conservation, physicochemical variation, residue mobility, and thermodynamic stability) performed at Invitae indicates that this missense variant is not expected to disrupt SIX5 protein function with a negative predictive value of 80%. Algorithms developed to predict the effect of sequence changes on RNA splicing suggest that this variant may create or strengthen a splice site. In summary, the available evidence is currently insufficient to determine the role of this variant in disease. Therefore, it has been classified as a Variant of Uncertain Significance.

PreventionGenetics, part of Exact Sciences
Classification: Uncertain significance for SIX5-related condition. Last evaluated: 2023-05-31. Review status: criteria provided, single submitter. Criteria: ACMG Guidelines, 2015. Collection method: clinical testing. Allele origin: germline.
Comment: The SIX5 c.1431G>C variant is predicted to result in the amino acid substitution p.Gln477His. To our knowledge, this variant has not been reported in the literature. This variant is reported in 0.0050% of alleles in individuals of Latino descent in gnomAD. At this time, the clinical significance of this variant is uncertain due to the absence of conclusive functional and genetic evidence.

NM_175875.5(SIX5):c.1431G>C (p.Gln477His)

Gene: SIX5 (SIX homeobox 5; minus strand). Cytogenetic location: 19q13.32.
Variant type: single nucleotide variant.
Coding change: c.1431G>C on transcript NM_175875.5 (MANE Select); coding-DNA position 1431, G replaced by C.
Protein change: p.Gln477His; replaces glutamine 477 with histidine.
Molecular consequence: missense variant.
Genome position (GRCh38, 1-based): chr19:45,766,528, C>G on the plus strand (G>C on the coding strand, the complement: SIX5 is on the minus strand). VCF-style: chr19-45766528-C-G. GRCh37 (hg19) VCF-style: chr19-46269786-C-G.
Other names: short protein forms Q477H.
Identifiers: ClinVar variation 2632316 (VCV002632316.2), dbSNP rs1424982690, ClinGen allele CA406418013.